The following is an entry in ClinVar:

ClinVar aggregate classification (germline): Uncertain significance (1 of 4 stars; one submission).

Conditions:
FG syndrome (FGS). Identifiers: MedGen C0220769, MONDO:0002010.

Submission:

Labcorp Genetics (formerly Invitae), Labcorp
Classification: Uncertain significance for FG syndrome. Last evaluated: 2025-09-27. Review status: criteria provided, single submitter. Criteria: Invitae Variant Classification Sherloc (09022015). Collection method: clinical testing. Allele origin: germline.
Comment: This sequence change replaces proline, which is neutral and non-polar, with serine, which is neutral and polar, at codon 1932 of the MED12 protein (p.Pro1932Ser). This variant is not present in population databases (gnomAD no frequency). This variant has not been reported in the literature in individuals affected with MED12-related conditions. ClinVar contains an entry for this variant (Variation ID: 2694484). Invitae Evidence Modeling of protein sequence and biophysical properties (such as structural, functional, and spatial information, amino acid conservation, physicochemical variation, residue mobility, and thermodynamic stability) has been performed for this missense variant. However, the output from this modeling did not meet the statistical confidence thresholds required to predict the impact of this variant on MED12 protein function. In summary, the available evidence is currently insufficient to determine the role of this variant in disease. Therefore, it has been classified as a Variant of Uncertain Significance.

NM_005120.3(MED12):c.5794C>T (p.Pro1932Ser)

Gene: MED12 (mediator complex subunit 12; plus strand). Cytogenetic location: Xq13.1.
Variant type: single nucleotide variant.
Coding change: c.5794C>T on transcript NM_005120.3 (MANE Select); coding-DNA position 5794, C replaced by T.
Protein change: p.Pro1932Ser; replaces proline 1932 with serine.
Molecular consequence: missense variant.
Genome position (GRCh38, 1-based): chrX:71,137,603, C>T. VCF-style: chrX-71137603-C-T. GRCh37 (hg19) VCF-style: chrX-70357453-C-T.
Other names: short protein forms P1932S.
Identifiers: ClinVar variation 2694484 (VCV002694484.3), dbSNP rs2519714925, ClinGen allele CA413537886.